The following is an entry in ClinVar:

NM_000038.6(APC):c.1561T>C (p.Ser521Pro)

Gene: APC (APC regulator of Wnt signaling pathway; plus strand). Cytogenetic location: 5q22.2.
Variant type: single nucleotide variant.
Coding change: c.1561T>C on transcript NM_000038.6 (MANE Select); coding-DNA position 1561, T replaced by C.
Protein change: p.Ser521Pro; replaces serine 521 with proline.
Molecular consequence: missense variant.
Genome position (GRCh38, 1-based): chr5:112,827,941, T>C. VCF-style: chr5-112827941-T-C. GRCh37 (hg19) VCF-style: chr5-112163638-T-C.
Other names: c.1561T>C, p.Ser521Pro (NM_001127510.3, NM_001354895.2, NM_001407450.1); c.1507T>C, p.Ser503Pro (NM_001127511.3); c.1615T>C, p.Ser539Pro (NM_001354896.2, NM_001407447.1, NM_001407448.1 and 1 more transcripts); c.1591T>C, p.Ser531Pro (NM_001354897.2); c.1486T>C, p.Ser496Pro (NM_001354898.2); c.1477T>C, p.Ser493Pro (NM_001354899.2); c.1438T>C, p.Ser480Pro (NM_001354900.2); c.1384T>C, p.Ser462Pro (NM_001354901.2, NM_001407453.1); and 11 more; short protein forms S392P, S430P, S438P, S462P, S503P, S514P, S521P, S361P.
Identifiers: ClinVar variation 2088419 (VCV002088419.4), dbSNP rs2533218583, ClinGen allele CA16024716.

ClinVar aggregate classification (germline): Uncertain significance (1 of 4 stars; one submission).

Conditions:
Familial adenomatous polyposis 1 (FAP1). Also called: POLYPOSIS, ADENOMATOUS INTESTINAL; FAMILIAL ADENOMATOUS POLYPOSIS 1, ATTENUATED. Identifiers: MedGen C2713442, MONDO:0021056, OMIM 175100. Disease mechanism: loss of function.

Submission:

Labcorp Genetics (formerly Invitae), Labcorp
Classification: Uncertain significance for Familial adenomatous polyposis 1. Last evaluated: 2023-03-07. Review status: criteria provided, single submitter. Criteria: Invitae Variant Classification Sherloc (09022015). Collection method: clinical testing. Allele origin: germline.
Comment: ClinVar contains an entry for this variant (Variation ID: 2088419). This variant has not been reported in the literature in individuals affected with APC-related conditions. This variant is not present in population databases (gnomAD no frequency). This sequence change replaces serine, which is neutral and polar, with proline, which is neutral and non-polar, at codon 521 of the APC protein (p.Ser521Pro). In summary, the available evidence is currently insufficient to determine the role of this variant in disease. Therefore, it has been classified as a Variant of Uncertain Significance. Advanced modeling of protein sequence and biophysical properties (such as structural, functional, and spatial information, amino acid conservation, physicochemical variation, residue mobility, and thermodynamic stability) performed at Invitae indicates that this missense variant is not expected to disrupt APC protein function.